The following is an entry in ClinVar:

ClinVar aggregate classification (germline): Uncertain significance (1 of 4 stars; one submission).

Conditions:
Inborn genetic diseases. Identifiers: MedGen C0950123, MeSH D030342.

Submission:

Ambry Genetics
Classification: Uncertain significance for Inborn genetic diseases. Last evaluated: 2025-05-02. Review status: criteria provided, single submitter. Criteria: Ambry Variant Classification Scheme 2023. Collection method: clinical testing. Allele origin: germline.
Comment: The p.M28I variant (also known as c.84G>A), located in coding exon 2 of the CEP57 gene, results from a G to A substitution at nucleotide position 84. The methionine at codon 28 is replaced by isoleucine, an amino acid with highly similar properties. This amino acid position is conserved. In addition, this alteration is predicted to be tolerated by in silico analysis. Based on the available evidence, the clinical significance of this variant remains unclear.

NM_014679.5(CEP57):c.84G>A (p.Met28Ile)

Gene: CEP57 (centrosomal protein 57; plus strand). Cytogenetic location: 11q21.
Variant type: single nucleotide variant.
Coding change: c.84G>A on transcript NM_014679.5 (MANE Select); coding-DNA position 84, G replaced by A.
Protein change: p.Met28Ile; replaces methionine 28 with isoleucine.
Molecular consequence: missense variant. On other transcripts: initiator codon variant (1).
Genome position (GRCh38, 1-based): chr11:95,799,270, G>A. VCF-style: chr11-95799270-G-A. GRCh37 (hg19) VCF-style: chr11-95532434-G-A.
Other names: c.57G>A, p.Met19Ile (NM_001243776.2); c.84G>A, p.Met28Ile (NM_001243777.2); c.3G>A, p.Met1Ile (NM_001363604.2); short protein forms M1I, M19I, M28I.
Identifiers: ClinVar variation 4001027 (VCV004001027.1).